The following is an entry in ClinVar:

ClinVar aggregate classification (germline): Likely benign. Review status: criteria provided, multiple submitters, no conflicts (2 of 4 stars). 3 submissions from 3 submitters: Likely benign (2). 1 of the submissions does not count toward it. Last evaluated 2025-10-02.

Conditions:
Cardiovascular phenotype. Identifiers: MedGen CN230736.
RASopathy. Also called: Noonan spectrum disorder; rasopathies. Identifiers: Orphanet 536391, MedGen C5555857, MONDO:0021060.
CBL-related disorder. Also called: NOONAN SYNDROME-LIKE DISORDER WITHOUT JUVENILE MYELOMONOCYTIC LEUKEMIA; CBL MUTATION-ASSOCIATED SYNDROME; CBL SYNDROME. Identifiers: Orphanet 363972, MedGen C3150803, MONDO:0013308, OMIM 613563.

Allele frequency attached by ClinVar (database versions not stated): TOPMed below 0.00001.
gnomAD v4.1: 4 of 1,550,644 alleles (0.00026%); highest among the groups gnomAD compares: Non-Finnish European, 0.00017%; no homozygotes.

Submissions (3):

Labcorp Genetics (formerly Invitae), Labcorp
Classification: Likely benign for RASopathy. Last evaluated: 2025-10-02. Review status: criteria provided, single submitter. Criteria: Invitae Variant Classification Sherloc (09022015). Collection method: clinical testing. Allele origin: germline.

Ambry Genetics
Classification: Likely benign for Cardiovascular phenotype. Last evaluated: 2020-03-16. Review status: criteria provided, single submitter. Criteria: Ambry Variant Classification Scheme 2023. Collection method: clinical testing. Allele origin: germline.

PreventionGenetics, part of Exact Sciences
Classification: Likely benign for CBL-related condition. Last evaluated: 2024-05-06. Review status: no assertion criteria provided. Collection method: clinical testing. Allele origin: germline. Not counted in ClinVar's aggregate classification.
Comment: This variant is classified as likely benign based on ACMG/AMP sequence variant interpretation guidelines (Richards et al. 2015 PMID: 25741868, with internal and published modifications).

NM_005188.4(CBL):c.132C>T (p.Ser44=)

Genes: CBL (Cbl proto-oncogene; plus strand), LOC130006895 (ATAC-STARR-seq lymphoblastoid silent region 3975; plus strand). Cytogenetic location: 11q23.3.
Variant type: single nucleotide variant.
Coding change: c.132C>T on transcript NM_005188.4 (MANE Select); coding-DNA position 132, C replaced by T.
Protein change: p.Ser44=; no amino-acid change (serine 44 retained).
Molecular consequence: synonymous variant.
Genome position (GRCh38, 1-based): chr11:119,206,549, C>T. VCF-style: chr11-119206549-C-T. GRCh37 (hg19) VCF-style: chr11-119077259-C-T.
Identifiers: ClinVar variation 1770107 (VCV001770107.8), dbSNP rs1222476725, ClinGen allele CA477374850.
Genomic context (GRCh38, chr11:119,206,549, plus strand): 5'-CCTGATTGGGCTCATGAAGGACGCCTTCCAGCCGCACCACCACCACCACCACCACCTCAG[C>T]CCCCACCCGCCGGGGACGGTGGACAAGAAGATGGTGGAGAAGTGCTGGAAGCTCATGGAC-3'
Protein context (NP_005179.2, residues 34-54): QPHHHHHHHL[Ser44=]PHPPGTVDKK